The following is an entry in ClinVar:

ClinVar aggregate classification (germline): Pathogenic (1 of 4 stars; one submission).

Conditions:
Nephrotic syndrome, IIa 26. Also called: Nephrotic syndrome, type 26. Identifiers: MedGen C5774221, MONDO:0031061, OMIM 620049.

Submission:

Victorian Clinical Genetics Services, Murdoch Childrens Research Institute
Classification: Pathogenic for Nephrotic syndrome, IIa 26. Last evaluated: 2024-10-28. Review status: criteria provided, single submitter. Criteria: ACMG Guidelines, 2015. Collection method: clinical testing. Allele origin: germline. Affected: yes.
Comment: This variant is classified as Pathogenic. Evidence in support of pathogenic classification: Variant is predicted to cause nonsense-mediated decay (NMD) and loss of protein (premature termination codon is located at least 54 nucleotides upstream of the final exon-exon junction); Variant is present in gnomAD <0.01 for a recessive condition (v4: 2 heterozygote(s), 0 homozygote(s)); Other variants resulting in a premature termination codon comparable to the one identified in this case have strong previous evidence for pathogenicity. NMD-predicted variants have been classified as pathogenic or likely pathogenic by multiple clinical laboratories (ClinVar). These variants have also been reported in the literature in individuals with infantile onset nephrotic syndrome (PMIDs: 35419533, 37985485). Additional information: This variant is heterozygous; This gene is associated with autosomal recessive disease. There are limited reports on autosomal dominant focal segmental glomerular sclerosis and complex multi-system syndrome due to ECM dysfunction (PMID: 24130771, 28735299); This variant has no previous evidence of pathogenicity; No published segregation evidence has been identified for this variant; No published functional evidence has been identified for this variant; Loss of function is a known mechanism of disease in this gene and is associated with nephrotic syndrome, type 26 (MIM#620049) and focal segmental glomerular sclerosis (PMID: 24130771). The mechanism of disease associated with complex multisystem syndrome due to ECM dysfunction is currently unclear; Inheritance information for this variant is not currently available in this individual.

Literature cited by the submitters: PubMed 28735299; PubMed 35419533; PubMed 24130771; PubMed 37985485.

NM_005560.6(LAMA5):c.3012_3013dup (p.Val1005fs)

Gene: LAMA5 (laminin subunit alpha 5; minus strand). Cytogenetic location: 20q13.33.
Variant type: Duplication.
Coding change: c.3012_3013dup on transcript NM_005560.6 (MANE Select); coding-DNA positions 3012 to 3013, 2 bases duplicated (GG; older notation c.3012_3013dupGG).
Protein change: p.Val1005fs; shifts the reading frame from valine 1005.
Molecular consequence: frameshift variant.
Genome position (GRCh38, 1-based): chr20:62,333,572-62,333,573, CC duplicated on the plus strand (GG on the coding strand, the reverse complement: LAMA5 is on the minus strand); duplicating any 2 consecutive bases within chr20:62,333,572-62,333,575 gives the same sequence; the c. name uses the placement nearest the transcript's 3' end. VCF-style (leftmost placement, unchanged base first): chr20-62333571-A-ACC. GRCh37 (hg19) VCF-style: chr20-60908627-A-ACC.
Other names: short protein forms V1005fs.
Identifiers: ClinVar variation 4531761 (VCV004531761.1).